The following is an entry in ClinVar:

NM_003630.3(PEX3):c.332-3A>G

Gene: PEX3 (peroxisomal biogenesis factor 3; plus strand). Cytogenetic location: 6q24.2.
Variant type: single nucleotide variant.
Coding change: c.332-3A>G on transcript NM_003630.3 (MANE Select); 3 bases into the intron before coding-DNA position 332, A replaced by G.
Molecular consequence: intron variant.
Genome position (GRCh38, 1-based): chr6:143,470,958, A>G. VCF-style: chr6-143470958-A-G. GRCh37 (hg19) VCF-style: chr6-143792095-A-G.
Identifiers: ClinVar variation 1353208 (VCV001353208.6), dbSNP rs1780065363, ClinGen allele CA1669262586.

ClinVar aggregate classification (germline): Uncertain significance (1 of 4 stars; one submission).

Allele frequency attached by ClinVar (database versions not stated): TOPMed below 0.00001.

Submission:

Labcorp Genetics (formerly Invitae), Labcorp
Classification: Uncertain significance. Last evaluated: 2023-07-07. Review status: criteria provided, single submitter. Criteria: Invitae Variant Classification Sherloc (09022015). Collection method: clinical testing. Allele origin: germline.
Comment: In summary, the available evidence is currently insufficient to determine the role of this variant in disease. Therefore, it has been classified as a Variant of Uncertain Significance. This sequence change falls in intron 4 of the PEX3 gene. It does not directly change the encoded amino acid sequence of the PEX3 protein. It affects a nucleotide within the consensus splice site. This variant is not present in population databases (gnomAD no frequency). This variant has not been reported in the literature in individuals affected with PEX3-related conditions. ClinVar contains an entry for this variant (Variation ID: 1353208). Variants that disrupt the consensus splice site are a relatively common cause of aberrant splicing (PMID: 17576681, 9536098). Algorithms developed to predict the effect of sequence changes on RNA splicing suggest that this variant is not likely to affect RNA splicing.

Literature cited by the submitters: PubMed 17576681; PubMed 9536098.